The following is an entry in ClinVar:

ClinVar aggregate classification (germline): Uncertain significance. Review status: criteria provided, multiple submitters, no conflicts (2 of 4 stars). 2 submissions from 2 submitters: Uncertain significance (2). Last evaluated 2023-09-30.

Allele frequency attached by ClinVar (database versions not stated): ExAC 0.00001; gnomAD 0.00001; gnomAD exomes 0.00003; TOPMed 0.00003; ESP Exome Variant Server 0.00008.
gnomAD v4.1: 50 of 1,613,806 alleles (0.0031%); highest among the groups gnomAD compares: Non-Finnish European, 0.0042%; no homozygotes.

Submissions (2):

Labcorp Genetics (formerly Invitae), Labcorp
Classification: Uncertain significance. Last evaluated: 2023-09-30. Review status: criteria provided, single submitter. Criteria: Invitae Variant Classification Sherloc (09022015). Collection method: clinical testing. Allele origin: germline.
Comment: This sequence change replaces arginine, which is basic and polar, with lysine, which is basic and polar, at codon 104 of the NPAT protein (p.Arg104Lys). This variant is present in population databases (rs376331502, gnomAD 0.002%). This variant has not been reported in the literature in individuals affected with NPAT-related conditions. ClinVar contains an entry for this variant (Variation ID: 1727847). An algorithm developed to predict the effect of missense changes on protein structure and function (PolyPhen-2) suggests that this variant is likely to be tolerated. In summary, the available evidence is currently insufficient to determine the role of this variant in disease. Therefore, it has been classified as a Variant of Uncertain Significance.

Ambry Genetics
Classification: Uncertain significance. Last evaluated: 2022-10-20. Review status: criteria provided, single submitter. Criteria: Ambry Variant Classification Scheme 2023. Collection method: clinical testing. Allele origin: germline.
Comment: The p.R104K variant (also known as c.311G>A), located in coding exon 5 of the NPAT gene, results from a G to A substitution at nucleotide position 311. The arginine at codon 104 is replaced by lysine, an amino acid with highly similar properties. This amino acid position is conserved. In addition, this alteration is predicted to be tolerated by in silico analysis. Since supporting evidence is limited at this time, the clinical significance of this alteration remains unclear.

NM_002519.3(NPAT):c.311G>A (p.Arg104Lys)

Gene: NPAT (nuclear protein, coactivator of histone transcription; minus strand). Cytogenetic location: 11q22.3.
Variant type: single nucleotide variant.
Coding change: c.311G>A on transcript NM_002519.3 (MANE Select); coding-DNA position 311, G replaced by A.
Protein change: p.Arg104Lys; replaces arginine 104 with lysine.
Molecular consequence: missense variant.
Genome position (GRCh38, 1-based): chr11:108,190,480, C>T on the plus strand (G>A on the coding strand, the complement: NPAT is on the minus strand). VCF-style: chr11-108190480-C-T. GRCh37 (hg19) VCF-style: chr11-108061207-C-T.
Other names: c.311G>A, p.Arg104Lys (NM_001321307.1); short protein forms R104K.
Identifiers: ClinVar variation 1727847 (VCV001727847.5), dbSNP rs376331502, ClinGen allele CA6264333.